The following is an entry in ClinVar:

NM_173628.4(DNAH17):c.4000G>A (p.Val1334Met)

Gene: DNAH17 (dynein axonemal heavy chain 17; minus strand). Cytogenetic location: 17q25.3.
Variant type: single nucleotide variant.
Coding change: c.4000G>A on transcript NM_173628.4 (MANE Select); coding-DNA position 4000, G replaced by A.
Protein change: p.Val1334Met; replaces valine 1334 with methionine.
Molecular consequence: missense variant.
Genome position (GRCh38, 1-based): chr17:78,514,887, C>T on the plus strand (G>A on the coding strand, the complement: DNAH17 is on the minus strand). VCF-style: chr17-78514887-C-T. GRCh37 (hg19) VCF-style: chr17-76510969-C-T.
Other names: c.4000G>A (NM_173628.3); short protein forms V1334M.
Identifiers: ClinVar variation 2648370 (VCV002648370.26), dbSNP rs143872440, ClinGen allele CA8803940.
Genomic context (GRCh38, chr17:78,514,887, plus strand): 5'-GCAGCTCGCTCACGGCACGCAGGGACGTGATCACGTTTTTCACGGTGTTGTCGAGCCCCA[C>T]GAAGGCATCCCAGGTTTTCATCTCCTTGTCCAAAGACCTCATGTCCTTGGCAAACTTCTT-3'
Protein context (NP_775899.3, residues 1324-1344): DKEMKTWDAF[Val1334Met]GLDNTVKNVI

ClinVar aggregate classification (germline): Conflicting classifications of pathogenicity. Review status: criteria provided, conflicting classifications (1 of 4 stars). 3 submissions from 3 submitters: Uncertain significance (1); Likely benign (1). 1 of the submissions does not count toward it. Last evaluated 2025-09-11.

Conditions:
DNAH17-related disorder. Also called: DNAH17-related condition.
Inborn genetic diseases. Identifiers: MedGen C0950123, MeSH D030342.

Allele frequency attached by ClinVar (database versions not stated): ExAC 0.00139; gnomAD 0.00256; TOPMed 0.00268; 1000 Genomes Project 0.00339; 1000 Genomes Project 30x 0.00344; ESP Exome Variant Server 0.00345.
gnomAD v4.1: 1,638 of 1,614,046 alleles (0.1%); highest among the groups gnomAD compares: African/African-American, 0.69%; 7 homozygotes.

Submissions (3):

Ambry Genetics
Classification: Uncertain significance for Inborn genetic diseases. Last evaluated: 2025-09-11. Review status: criteria provided, single submitter. Criteria: Ambry Variant Classification Scheme 2023. Collection method: clinical testing. Allele origin: germline.

CeGaT Center for Human Genetics Tuebingen
Classification: Likely benign. Last evaluated: 2025-07-01. Review status: criteria provided, single submitter. Criteria: CeGaT Center For Human Genetics Tuebingen Variant Classification Criteria Version 2. Collection method: clinical testing. Allele origin: germline. Affected: yes. Observed: 4 variant alleles.
Comment: DNAH17: BP4

PreventionGenetics, part of Exact Sciences
Classification: Likely benign for DNAH17-related condition. Last evaluated: 2019-06-18. Review status: no assertion criteria provided. Collection method: clinical testing. Allele origin: germline. Not counted in ClinVar's aggregate classification.
Comment: This variant is classified as likely benign based on ACMG/AMP sequence variant interpretation guidelines (Richards et al. 2015 PMID: 25741868, with internal and published modifications).